The following is an entry in ClinVar:

NM_015166.4(MLC1):c.803C>T (p.Thr268Met)

Gene: MLC1 (modulator of VRAC current 1; minus strand). Cytogenetic location: 22q13.33.
Variant type: single nucleotide variant.
Coding change: c.803C>T on transcript NM_015166.4 (MANE Select); coding-DNA position 803, C replaced by T.
Protein change: p.Thr268Met; replaces threonine 268 with methionine.
Molecular consequence: missense variant. On other transcripts: non-coding transcript variant (3).
Genome position (GRCh38, 1-based): chr22:50,068,524, G>A on the plus strand (C>T on the coding strand, the complement: MLC1 is on the minus strand). VCF-style: chr22-50068524-G-A. GRCh37 (hg19) VCF-style: chr22-50506953-G-A.
Other names: c.803C>T, p.Thr268Met (NM_001376472.1, NM_001376473.1, NM_001376474.1 and 5 more transcripts); c.746C>T, p.Thr249Met (NM_001376479.1); c.713C>T, p.Thr238Met (NM_001376480.1); c.701C>T, p.Thr234Met (NM_001376481.1); c.647C>T, p.Thr216Met (NM_001376482.1, NM_001376483.1); c.566C>T, p.Thr189Met (NM_001376484.1); c.803C>T (NM_015166.3); short protein forms T234M, T189M, T216M, T249M, T268M, T238M.
Identifiers: ClinVar variation 2200935 (VCV002200935.3), dbSNP rs780903222, ClinGen allele CA10303351.

ClinVar aggregate classification (germline): Uncertain significance. Review status: criteria provided, multiple submitters, no conflicts (2 of 4 stars). 2 submissions from 2 submitters: Uncertain significance (2). Last evaluated 2026-02-02.

Conditions:
Inborn genetic diseases. Identifiers: MedGen C0950123, MeSH D030342.

Allele frequency attached by ClinVar (database versions not stated): TOPMed 0.00003; ExAC 0.00009.
gnomAD v4.1: 36 of 1,612,750 alleles (0.0022%); highest among the groups gnomAD compares: Admixed American, 0.048%; no homozygotes.

Submissions (2):

Labcorp Genetics (formerly Invitae), Labcorp
Classification: Uncertain significance. Last evaluated: 2026-02-02. Review status: criteria provided, single submitter. Criteria: Invitae Variant Classification Sherloc (09022015). Collection method: clinical testing. Allele origin: germline.
Comment: This sequence change replaces threonine, which is neutral and polar, with methionine, which is neutral and non-polar, at codon 268 of the MLC1 protein (p.Thr268Met). This variant is present in population databases (rs780903222, gnomAD 0.07%). This variant has not been reported in the literature in individuals affected with MLC1-related conditions. ClinVar contains an entry for this variant (Variation ID: 2200935). Invitae Evidence Modeling of protein sequence and biophysical properties (such as structural, functional, and spatial information, amino acid conservation, physicochemical variation, residue mobility, and thermodynamic stability) has been performed for this missense variant. However, the output from this modeling did not meet the statistical confidence thresholds required to predict the impact of this variant on MLC1 protein function. In summary, the available evidence is currently insufficient to determine the role of this variant in disease. Therefore, it has been classified as a Variant of Uncertain Significance.

Ambry Genetics
Classification: Uncertain significance for Inborn genetic diseases. Last evaluated: 2021-03-30. Review status: criteria provided, single submitter. Criteria: Ambry Variant Classification Scheme 2023. Collection method: clinical testing. Allele origin: germline.
Comment: The c.803C>T (p.T268M) alteration is located in exon 10 (coding exon 9) of the MLC1 gene. This alteration results from a C to T substitution at nucleotide position 803, causing the threonine (T) at amino acid position 268 to be replaced by a methionine (M). The in silico prediction for the p.T268M alteration is inconclusive. Based on insufficient or conflicting evidence, the clinical significance of this alteration remains unclear.